The following is an entry in ClinVar:

NM_004817.4(TJP2):c.185C>T (p.Thr62Met)

Gene: TJP2 (tight junction protein 2; plus strand). Cytogenetic location: 9q21.11.
Variant type: single nucleotide variant.
Coding change: c.185C>T on transcript NM_004817.4 (MANE Select); coding-DNA position 185, C replaced by T.
Protein change: p.Thr62Met; replaces threonine 62 with methionine.
Molecular consequence: missense variant.
Genome position (GRCh38, 1-based): chr9:69,216,409, C>T. VCF-style: chr9-69216409-C-T. GRCh37 (hg19) VCF-style: chr9-71831325-C-T.
Other names: p.Thr62Met; c.197C>T, p.Thr66Met (NM_001170415.1, NM_001369874.1, NM_001369875.1); c.278C>T, p.Thr93Met (NM_001170416.2); c.116C>T, p.Thr39Met (NM_001369870.1, NM_001369871.1, NM_001170414.2); c.185C>T, p.Thr62Met (NM_001369872.1, NM_001369873.1, NM_201629.3); short protein forms T39M, T62M, T66M, T93M.
Identifiers: ClinVar variation 165403 (VCV000165403.62), dbSNP rs138241615, ClinGen allele CA178161.

ClinVar aggregate classification (germline): Conflicting classifications of pathogenicity. Review status: criteria provided, conflicting classifications (1 of 4 stars). 12 submissions from 12 submitters: Uncertain significance (3); Benign (2); Likely benign (5). 2 of the submissions do not count toward it. Last evaluated 2026-08-01.

Conditions:
TJP2-related disorder. Also called: TJP2-related condition.
Cholestasis, progressive familial intrahepatic, 4. Identifiers: Orphanet 480483, Orphanet 79304, MedGen C2931067, MONDO:0014381, OMIM 615878.
Autosomal dominant nonsyndromic hearing loss 51. Also called: CHROMOSOME 9q21.11 DUPLICATION SYNDROME; Deafness, autosomal dominant 51. Identifiers: Orphanet 90635, MedGen C3160736, MONDO:0013305, OMIM 613558.
Hypercholanemia, familial 1 (FHCA1). Identifiers: Orphanet 238475, MedGen C5542604, MONDO:0031446, OMIM 607748.

Allele frequency attached by ClinVar (database versions not stated): 1000 Genomes Project 30x 0.00094; 1000 Genomes Project 0.00100; ExAC 0.00147; gnomAD exomes 0.00150; gnomAD 0.00168 and 0.00170; TOPMed 0.00182; ESP Exome Variant Server 0.00192.
gnomAD v4.1: 3,854 of 1,614,136 alleles (0.24%); highest among the groups gnomAD compares: Middle Eastern, 0.31%; 8 homozygotes.

Submissions (12):

CeGaT Center for Human Genetics Tuebingen
Classification: Likely benign. Last evaluated: 2026-08-01. Review status: criteria provided, single submitter. Criteria: CeGaT Center For Human Genetics Tuebingen Variant Classification Criteria Version 2. Collection method: clinical testing. Allele origin: germline. Affected: yes. Observed: 5 variant alleles.
Comment: TJP2: BS2

Labcorp Genetics (formerly Invitae), Labcorp
Classification: Benign. Last evaluated: 2026-01-12. Review status: criteria provided, single submitter. Criteria: Invitae Variant Classification Sherloc (09022015). Collection method: clinical testing. Allele origin: germline.

Laboratory of Prof. Karen Avraham, Tel Aviv University
Classification: Uncertain significance for Autosomal dominant nonsyndromic hearing loss 51. Last evaluated: 2026-01-07. Review status: criteria provided, single submitter. Criteria: ACMG Guidelines, 2015. Collection method: research. Allele origin: germline. Inheritance: Autosomal dominant inheritance. Affected: yes. Observed: 1 variant allele.
Comment: A very rare variant predicted deleterious by most prediction programs. The type of HL, a sloping audiogram of mild-to-severe HL, is characteristic for this gene.

DFNA51; high-tone HL

Mayo Clinic Laboratories, Mayo Clinic
Classification: Likely benign. Last evaluated: 2025-11-27. Review status: criteria provided, single submitter. Criteria: ACMG Guidelines, 2015. Collection method: clinical testing. Allele origin: germline. Observed: 3 variant alleles.
Comment: BS1_supporting, BP4_moderate

Blueprint Genetics
Classification: Likely benign. Last evaluated: 2024-11-26. Review status: criteria provided, single submitter. Criteria: ACMG Guidelines, 2015. Collection method: clinical testing. Allele origin: germline.

Department of Pathology and Laboratory Medicine, Sinai Health System
Classification: Likely benign for Cholestasis, progressive familial intrahepatic, 4. Last evaluated: 2021-12-22. Review status: criteria provided, single submitter. Criteria: ACMG Guidelines, 2015. Collection method: research. Allele origin: germline.

GeneDx
Classification: Uncertain significance. Last evaluated: 2021-03-01. Review status: criteria provided, single submitter. Criteria: GeneDx Variant Classification Process June 2021. Collection method: clinical testing. Allele origin: germline. Affected: yes.
Comment: Identified in unrelated patients with intrahepatic cholestasis of pregnancy in published literature (Dixon et al., 2017; Vitale et al., 2017); In silico analysis supports that this missense variant has a deleterious effect on protein structure/function; This variant is associated with the following publications: (PMID: 33390354, 31450555, 32089630, 29238877, 28924228)

Athena Diagnostics
Classification: Benign. Last evaluated: 2019-02-15. Review status: criteria provided, single submitter. Criteria: Athena Diagnostics Criteria. Collection method: clinical testing. Allele origin: germline.

Eurofins Ntd Llc (ga)
Classification: Uncertain significance. Last evaluated: 2017-10-02. Review status: criteria provided, single submitter. Criteria: EGL Classification Definitions 2015. Collection method: clinical testing. Allele origin: germline. Observed: 14 variant alleles, 14 heterozygotes.

Laboratory for Molecular Medicine, Mass General Brigham Personalized Medicine
Classification: Likely benign. Last evaluated: 2013-06-25. Review status: criteria provided, single submitter. Criteria: LMM Criteria. Collection method: clinical testing. Allele origin: germline. Observed: 2 variant alleles.
Comment: Thr39Met in Exon 4 of TJP2: This variant is not expected to have clinical signi ficance because it has been observed in 0.3% (24/8600) of European American chro mosomes from a broad population by the NHLBI Exome Sequencing Project (s.; dbSNP rs138241615).

PreventionGenetics, part of Exact Sciences
Classification: Likely benign for TJP2-related condition. Last evaluated: 2022-02-28. Review status: no assertion criteria provided. Collection method: clinical testing. Allele origin: germline. Not counted in ClinVar's aggregate classification.
Comment: This variant is classified as likely benign based on ACMG/AMP sequence variant interpretation guidelines (Richards et al. 2015 PMID: 25741868, with internal and published modifications).

Elsea Laboratory, Baylor College of Medicine
Classification: Likely pathogenic for Cholestasis, progressive familial intrahepatic, 4; Hypercholanemia, familial 1. Last evaluated: 2020-04-01. Review status: no assertion criteria provided. Collection method: clinical testing. Allele origin: paternal. Affected: yes. Not counted in ClinVar's aggregate classification.

Literature cited by the submitters: PubMed 28924228 (cited by Athena Diagnostics); PubMed 29238877 (cited by Athena Diagnostics).